The following is an entry in ClinVar:

ClinVar aggregate classification (germline): Conflicting classifications of pathogenicity. Review status: criteria provided, conflicting classifications (1 of 4 stars). 2 submissions from 2 submitters: Uncertain significance (1); Likely benign (1). Last evaluated 2022-06-03.

Conditions:
Dyskeratosis congenita, autosomal dominant 6 (DKCA6). Identifiers: Orphanet 3322, MedGen C4225284, MONDO:0014690, OMIM 616553.
Inborn genetic diseases. Identifiers: MedGen C0950123, MeSH D030342.

Submissions (2):

Labcorp Genetics (formerly Invitae), Labcorp
Classification: Uncertain significance for Dyskeratosis congenita, autosomal dominant 6. Last evaluated: 2022-06-03. Review status: criteria provided, single submitter. Criteria: Invitae Variant Classification Sherloc (09022015). Collection method: clinical testing. Allele origin: germline.
Comment: In summary, the available evidence is currently insufficient to determine the role of this variant in disease. Therefore, it has been classified as a Variant of Uncertain Significance. Algorithms developed to predict the effect of missense changes on protein structure and function output the following: SIFT: "Deleterious"; PolyPhen-2: "Possibly Damaging"; Align-GVGD: "Class C0". The threonine amino acid residue is found in multiple mammalian species, which suggests that this missense change does not adversely affect protein function. ClinVar contains an entry for this variant (Variation ID: 1497734). This variant has not been reported in the literature in individuals affected with ACD-related conditions. This variant is not present in population databases (gnomAD no frequency). This sequence change replaces alanine, which is neutral and non-polar, with threonine, which is neutral and polar, at codon 35 of the ACD protein (p.Ala35Thr).

Ambry Genetics
Classification: Likely benign for Inborn genetic diseases. Last evaluated: 2022-03-27. Review status: criteria provided, single submitter. Criteria: Ambry Variant Classification Scheme 2023. Collection method: clinical testing. Allele origin: germline.

NC_000016.10:g.67660376C>T

Genes: ACD (ACD shelterin complex subunit and telomerase recruitment factor; minus strand), LOC130059224 (ATAC-STARR-seq lymphoblastoid silent region 7617; plus strand). Cytogenetic location: 16q22.1.
Variant type: single nucleotide variant.
Genome position: GRCh38 VCF-style: chr16-67660376-C-T. GRCh37 (hg19) VCF-style: chr16-67694279-C-T.
Other names: short protein forms A35T.
Identifiers: ClinVar variation 1497734 (VCV001497734.7), dbSNP rs772377460, ClinGen allele CA396359771.